The following is an entry in ClinVar:

NM_014927.5(CNKSR2):c.588C>A (p.Asp196Glu)

Gene: CNKSR2 (connector enhancer of kinase suppressor of Ras 2; plus strand). Cytogenetic location: Xp22.12.
Variant type: single nucleotide variant.
Coding change: c.588C>A on transcript NM_014927.5 (MANE Select); coding-DNA position 588, C replaced by A.
Protein change: p.Asp196Glu; replaces aspartic acid 196 with glutamic acid.
Molecular consequence: missense variant.
Genome position (GRCh38, 1-based): chrX:21,490,485, C>A. VCF-style: chrX-21490485-C-A. GRCh37 (hg19) VCF-style: chrX-21508603-C-A.
Other names: c.588C>A, p.Asp196Glu (NM_001168647.3, NM_001168648.3, NM_001168649.3 and 4 more transcripts); short protein forms D196E.
Identifiers: ClinVar variation 1311842 (VCV001311842.2), dbSNP rs1056734035, ClinGen allele CA412553189.
Genomic context (GRCh38, chrX:21,490,485, plus strand): 5'-TTTACCACAACTATTTTTGTTTTTGTGCTTCCAGTGTAAAACTCTTTCTGGAGTCTGTGA[C>A]CACATCATATCCCTGTCGTCAGATCCTCTGGTTTCACAGTCTGCTCACCTGGAAGTGATT-3'
Protein context (NP_055742.2, residues 186-206): HVCKTLSGVC[Asp196Glu]HIISLSSDPL

ClinVar aggregate classification (germline): Uncertain significance (1 of 4 stars; one submission).

Submission:

GeneDx
Classification: Uncertain significance. Last evaluated: 2020-01-03. Review status: criteria provided, single submitter. Criteria: GeneDx Variant Classification Process June 2021. Collection method: clinical testing. Allele origin: germline. Affected: yes.
Comment: Not observed in large population cohorts (Lek et al., 2016); In silico analysis, which includes protein predictors and evolutionary conservation, supports that this variant does not alter protein structure/function; Has not been previously published as pathogenic or benign to our knowledge